The following is an entry in ClinVar:

ClinVar aggregate classification (germline): Conflicting classifications of pathogenicity. Review status: criteria provided, conflicting classifications (1 of 4 stars). 4 submissions from 4 submitters: Uncertain significance (1); Likely benign (2). 1 of the submissions does not count toward it. Last evaluated 2026-02-03.

Conditions:
Hereditary cancer-predisposing syndrome. Also called: Neoplastic Syndromes, Hereditary; Hereditary Cancer Syndrome; Tumor predisposition; Hereditary neoplastic syndrome. Identifiers: Orphanet 140162, MedGen C0027672, MeSH D009386, MONDO:0015356.
Gorlin syndrome. Also called: Nevoid Basal Cell Carcinoma Syndrome; Basal cell nevus syndrome. Identifiers: Orphanet 377, MedGen C0004779, MONDO:0007187.
PTCH1-related disorder. Also called: PTCH1-related disorders; PTCH1-related condition.

Allele frequency attached by ClinVar (database versions not stated): gnomAD exomes 0.00002 and 0.00004; ExAC 0.00003; TOPMed 0.00003.
gnomAD v4.1: 37 of 1,614,208 alleles (0.0023%); highest among the groups gnomAD compares: Admixed American, 0.015%; no homozygotes.

Submissions (4):

Labcorp Genetics (formerly Invitae), Labcorp
Classification: Likely benign for Gorlin syndrome. Last evaluated: 2026-02-03. Review status: criteria provided, single submitter. Criteria: Invitae Variant Classification Sherloc (09022015). Collection method: clinical testing. Allele origin: germline.

CeGaT Center for Human Genetics Tuebingen
Classification: Uncertain significance. Last evaluated: 2026-01-01. Review status: criteria provided, single submitter. Criteria: CeGaT Center For Human Genetics Tuebingen Variant Classification Criteria Version 2. Collection method: clinical testing. Allele origin: germline. Affected: yes. Observed: 1 variant allele.
Comment: PTCH1: PM2

Ambry Genetics
Classification: Likely benign for Hereditary cancer-predisposing syndrome. Last evaluated: 2022-02-18. Review status: criteria provided, single submitter. Criteria: Ambry Variant Classification Scheme 2023. Collection method: clinical testing. Allele origin: germline.

PreventionGenetics, part of Exact Sciences
Classification: Likely benign for PTCH1-related condition. Last evaluated: 2024-07-30. Review status: no assertion criteria provided. Collection method: clinical testing. Allele origin: germline. Not counted in ClinVar's aggregate classification.
Comment: This variant is classified as likely benign based on ACMG/AMP sequence variant interpretation guidelines (Richards et al. 2015 PMID: 25741868, with internal and published modifications).

NM_000264.5(PTCH1):c.3752C>A (p.Ala1251Asp)

Gene: PTCH1 (patched 1; minus strand). Cytogenetic location: 9q22.32.
Variant type: single nucleotide variant.
Coding change: c.3752C>A on transcript NM_000264.5 (MANE Select); coding-DNA position 3752, C replaced by A.
Protein change: p.Ala1251Asp; replaces alanine 1251 with aspartic acid.
Molecular consequence: missense variant. On other transcripts: non-coding transcript variant (1).
Genome position (GRCh38, 1-based): chr9:95,449,121, G>T on the plus strand (C>A on the coding strand, the complement: PTCH1 is on the minus strand). VCF-style: chr9-95449121-G-T. GRCh37 (hg19) VCF-style: chr9-98211403-G-T.
Other names: c.3554C>A, p.Ala1185Asp (NM_001083602.3); c.3749C>A, p.Ala1250Asp (NM_001083603.3); c.3299C>A, p.Ala1100Asp (NM_001083604.3, NM_001083605.3, NM_001083606.3 and 1 more transcripts); c.3596C>A, p.Ala1199Asp (NM_001354918.2); short protein forms A1185D, A1251D, A1250D, A1100D, A1199D.
Identifiers: ClinVar variation 219817 (VCV000219817.19), dbSNP rs747739936, ClinGen allele CA350565.